The following is an entry in ClinVar:

ClinVar aggregate classification (germline): Uncertain significance (1 of 4 stars; one submission).

Conditions:
Dyschromatosis universalis hereditaria 1 (DUH1). Identifiers: MedGen C2675711, MONDO:0024524, OMIM 127500.

Submission:

OLLIN Analises Genomicas, OLLIN
Classification: Uncertain significance for Dyschromatosis universalis hereditaria 1. Last evaluated: 2026-08-06. Review status: criteria provided, single submitter. Criteria: ACMG Guidelines 2015 PMID 25741868. Collection method: clinical testing. Allele origin: germline. Inheritance: Autosomal recessive inheritance.
Comment: This missense variant, located in exon 19 (of 20), has been observed in gnomAD with an allele frequency of 0.000062%, but has not been reported in ClinVar or identified in the literature. In silico analysis predicts that this variant has a tolerated effect. According to the currently available evidence, this variant has been classified as uncertain significance (PM2_P, BP4_M).

NM_015278.5(SASH1):c.3467A>G (p.Gln1156Arg)

Gene: SASH1 (SAM and SH3 domain containing 1; plus strand). Cytogenetic location: 6q25.1.
Variant type: single nucleotide variant.
Coding change: c.3467A>G on transcript NM_015278.5 (MANE Select); coding-DNA position 3467, A replaced by G.
Protein change: p.Gln1156Arg; replaces glutamine 1156 with arginine.
Molecular consequence: missense variant.
Genome position (GRCh38, 1-based): chr6:148,546,133, A>G. VCF-style: chr6-148546133-A-G. GRCh37 (hg19) VCF-style: chr6-148867269-A-G.
Other names: c.3332A>G, p.Gln1111Arg (NM_001346505.2); c.3095A>G, p.Gln1032Arg (NM_001346506.2); c.2750A>G, p.Gln917Arg (NM_001346507.2); c.3239A>G, p.Gln1080Arg (NM_001346508.2); c.3116A>G, p.Gln1039Arg (NM_001346509.2); short protein forms Q1032R, Q1039R, Q1080R, Q1111R, Q1156R, Q917R.
Identifiers: ClinVar variation 5002666 (VCV005002666.1).